The following is an entry in ClinVar:

Single allele

Genes: CCDC188 (coiled-coil domain containing 188; minus strand), MIR6816 (microRNA 6816; minus strand), MRPL40 (mitochondrial ribosomal protein L40; plus strand), PI4KA (phosphatidylinositol 4-kinase alpha; minus strand), SEPT5-GP1BB (SEPT5-GP1BB readthrough; plus strand) and 167 more. Cytogenetic location: 22q11.21.
Variant type: Deletion.
Identifiers: ClinVar variation 1703235 (VCV001703235.2).

ClinVar aggregate classification (germline): Pathogenic (1 of 4 stars; one submission).

Conditions:
Chromosome 22q11.2 deletion syndrome, distal. Identifiers: Orphanet 261330, MedGen C2678480, MONDO:0012740, OMIM 611867.

Submission:

Broad Center for Mendelian Genomics, Broad Institute of MIT and Harvard
Classification: Pathogenic for Chromosome 22q11.2 deletion syndrome, distal. Last evaluated: 2022-08-25. Review status: criteria provided, single submitter. Criteria: ACMG/ClinGen CNV Guidelines, 2019. Collection method: curation. Allele origin: germline. Inheritance: Sporadic. Affected: yes.
Comment: A confirmed de novo heterozygous deletion in chromosome 22q11.21 ([GRCh38]18985739_21081116x1) encompassing 88 genes was identified by whole exome sequencing in two unrelated individuals with intellectual disability, with one also presenting with delayed speech and language development and the other presenting with seizures and delayed ability to walk, via a collaborative study between the Broad Institute's Center for Mendelian Genomics and the Neurodev Study. There is complete overlap with the DGCR8 gene, which is not known to be haploinsufficient and has not been assessed by the ClinGen Dosage Sensitivity Working Group. Though dosage sensitivity has not been established, the Decipher database has predicted the DGCR8 gene to be haploinsufficient. Data from large population studies is insufficient to assess the frequency of this variant. More than 10 reported probands from the literature (PMID: 24311469, PMID: 33482818) have a copy-number loss in chromosome 22q11.21 similar in genomic content to the variant in our study. All of these probands have deletions that are confirmed de novo and the reported phenotypes of the probands are nonspecific (mild developmental delay, epilepsy, language delay). In summary, this variant meets criteria to be classified as pathogenic for Chromosome 22q11.21 deletion syndrome. The ACMG/ClinGen evidence codes and points used in this curation are as follows: 1A: 0 points, 2H: 0.15 points, 3C: 0.90 points, 4C: 0.90 points, 5A: 0.30 points; Total: 2.10 points; Riggs 2020 (PMID: 31690835).